The following is an entry in ClinVar:

NM_020975.6(RET):c.1982A>G (p.His661Arg)

Gene: RET (ret proto-oncogene; plus strand). Cytogenetic location: 10q11.21.
Variant type: single nucleotide variant.
Coding change: c.1982A>G on transcript NM_020975.6 (MANE Select); coding-DNA position 1982, A replaced by G.
Protein change: p.His661Arg; replaces histidine 661 with arginine.
Molecular consequence: missense variant.
Genome position (GRCh38, 1-based): chr10:43,114,582, A>G. VCF-style: chr10-43114582-A-G. GRCh37 (hg19) VCF-style: chr10-43610030-A-G.
Other names: c.1085A>G, p.His362Arg (NM_001406780.1, NM_001406781.1, NM_001406782.1 and 1 more transcripts); c.956A>G, p.His319Arg (NM_001406783.1, NM_001406786.1); c.992A>G, p.His331Arg (NM_001406784.1); c.965A>G, p.His322Arg (NM_001406785.1); c.797A>G, p.His266Arg (NM_001406788.1, NM_001406789.1, NM_001406790.1); c.1982A>G, p.His661Arg (NM_000323.2, NM_001406743.1, NM_001406744.1 and 4 more transcripts); c.1220A>G, p.His407Arg (NM_001355216.2); c.1853A>G, p.His618Arg (NM_001406761.1, NM_001406762.1, NM_001406764.1); and 7 more; short protein forms H407R, H661R, H178R, H319R, H529R, H565R, H618R, H266R.
Identifiers: ClinVar variation 1353140 (VCV001353140.10), dbSNP rs1838023752, ClinGen allele CA376553071.
Genomic context (GRCh38, chr10:43,114,582, plus strand): 5'-CTGTCCTCTTCTCCTTCATCGTCTCGGTGCTGCTGTCTGCCTTCTGCATCCACTGCTACC[A>G]CAAGTTTGCCCACAAGCCACCCATCTCCTCAGCTGAGATGACCTTCCGGAGGCCCGCCCA-3'
Protein context (NP_066124.1, residues 651-671): LLSAFCIHCY[His661Arg]KFAHKPPISS

ClinVar aggregate classification (germline): Uncertain significance. Review status: criteria provided, multiple submitters, no conflicts (2 of 4 stars). 2 submissions from 2 submitters: Uncertain significance (2). Last evaluated 2026-03-03.

Conditions:
Hereditary cancer-predisposing syndrome. Also called: Hereditary neoplastic syndrome; Tumor predisposition; Neoplastic Syndromes, Hereditary; Hereditary Cancer Syndrome. Identifiers: Orphanet 140162, MedGen C0027672, MeSH D009386, MONDO:0015356.
Multiple endocrine neoplasia, type 2 (MEN2). Identifiers: Orphanet 653, MedGen C4048306, MONDO:0019003. Disease mechanism: gain of function.

gnomAD v4.1: 1 of 1,611,942 alleles (0.000062%); highest among the groups gnomAD compares: African/African-American, 0.0013%; no homozygotes.

Submissions (2):

Ambry Genetics
Classification: Uncertain significance for Hereditary cancer-predisposing syndrome. Last evaluated: 2026-03-03. Review status: criteria provided, single submitter. Criteria: Ambry Variant Classification Scheme 2023. Collection method: clinical testing. Allele origin: germline.
Comment: The p.H661R variant (also known as c.1982A>G), located in coding exon 11 of the RET gene, results from an A to G substitution at nucleotide position 1982. The histidine at codon 661 is replaced by arginine, an amino acid with highly similar properties. This amino acid position is conserved. In addition, this alteration is predicted to be deleterious by in silico analysis. Based on the available evidence, the clinical significance of this variant remains unclear.

Labcorp Genetics (formerly Invitae), Labcorp
Classification: Uncertain significance for Multiple endocrine neoplasia, type 2. Last evaluated: 2025-07-05. Review status: criteria provided, single submitter. Criteria: Invitae Variant Classification Sherloc (09022015). Collection method: clinical testing. Allele origin: germline.
Comment: This sequence change replaces histidine, which is basic and polar, with arginine, which is basic and polar, at codon 661 of the RET protein (p.His661Arg). This variant is not present in population databases (gnomAD no frequency). This variant has not been reported in the literature in individuals affected with RET-related conditions. ClinVar contains an entry for this variant (Variation ID: 1353140). An algorithm developed to predict the effect of missense changes on protein structure and function (PolyPhen-2) suggests that this variant is likely to be tolerated. In summary, the available evidence is currently insufficient to determine the role of this variant in disease. Therefore, it has been classified as a Variant of Uncertain Significance.